The following is an entry in ClinVar:

ClinVar aggregate classification (germline): Uncertain significance. Review status: criteria provided, multiple submitters, no conflicts (2 of 4 stars). 8 submissions from 8 submitters: Uncertain significance (8). Last evaluated 2025-11-19.

Conditions:
Inborn genetic diseases. Identifiers: MedGen C0950123, MeSH D030342.
Autism, susceptibility to, 15. Also called: Autism susceptibility 15. Identifiers: MedGen C2677504, MONDO:0012801, OMIM 612100.
Cortical dysplasia-focal epilepsy syndrome (PTHSL1). Also called: Pitt-Hopkins-like syndrome 1. Identifiers: Orphanet 163681, Orphanet 221150, MedGen C2750246, MONDO:0012400, OMIM 610042.

Allele frequency attached by ClinVar (database versions not stated): gnomAD 0.00003; gnomAD exomes 0.00005 and 0.00011; TOPMed 0.00007; ExAC 0.00009.
gnomAD v4.1: 34 of 1,614,100 alleles (0.0021%); highest among the groups gnomAD compares: Admixed American, 0.057%; no homozygotes.

Submissions (8):

GeneDx
Classification: Uncertain significance. Last evaluated: 2025-11-19. Review status: criteria provided, single submitter. Criteria: GeneDx Variant Classification Process June 2021. Collection method: clinical testing. Allele origin: germline. Affected: yes.
Comment: In silico analysis supports that this missense variant has a deleterious effect on protein structure/function; Has not been previously published as pathogenic or benign to our knowledge; This variant is associated with the following publications: (PMID: 28569743)

Women's Health and Genetics/Laboratory Corporation of America, LabCorp
Classification: Uncertain significance. Last evaluated: 2025-11-10. Review status: criteria provided, single submitter. Criteria: LabCorp Variant Classification Summary - May 2015. Collection method: clinical testing. Allele origin: germline.
Comment: Variant summary: CNTNAP2 c.485T>G (p.Val162Gly) results in a non-conservative amino acid change in the encoded protein sequence. Algorithms developed to predict the effect of missense changes on protein structure and function all suggest that this variant is likely to be disruptive. The variant allele was found at a frequency of 0.00011 in 251468 control chromosomes. This frequency is not significantly higher than estimated for disease-causing variants in CNTNAP2, allowing no conclusion about variant significance. To our knowledge, no occurrence of c.485T>G in individuals affected with CNTNAP2-related conditions and no experimental evidence demonstrating its impact on protein function have been reported. ClinVar contains an entry for this variant (Variation ID: 128808). Based on the evidence outlined above, the variant was classified as uncertain significance.

Ambry Genetics
Classification: Uncertain significance for Inborn genetic diseases. Last evaluated: 2024-10-29. Review status: criteria provided, single submitter. Criteria: Ambry Variant Classification Scheme 2023. Collection method: clinical testing. Allele origin: germline.

Mayo Clinic Laboratories, Mayo Clinic
Classification: Uncertain significance. Last evaluated: 2024-06-06. Review status: criteria provided, single submitter. Criteria: ACMG Guidelines, 2015. Collection method: clinical testing. Allele origin: germline. Observed: 1 variant allele.
Comment: PP3

Labcorp Genetics (formerly Invitae), Labcorp
Classification: Uncertain significance for Cortical dysplasia-focal epilepsy syndrome. Last evaluated: 2023-11-28. Review status: criteria provided, single submitter. Criteria: Invitae Variant Classification Sherloc (09022015). Collection method: clinical testing. Allele origin: germline.
Comment: This sequence change replaces valine, which is neutral and non-polar, with glycine, which is neutral and non-polar, at codon 162 of the CNTNAP2 protein (p.Val162Gly). This variant is present in population databases (rs587780320, gnomAD 0.08%). This missense change has been observed in individual(s) with clinical features of CNTNAP2-related conditions (Invitae). ClinVar contains an entry for this variant (Variation ID: 128808). An algorithm developed to predict the effect of missense changes on protein structure and function (PolyPhen-2) suggests that this variant is likely to be disruptive. In summary, the available evidence is currently insufficient to determine the role of this variant in disease. Therefore, it has been classified as a Variant of Uncertain Significance.

Revvity Omics, Revvity
Classification: Uncertain significance for Cortical dysplasia-focal epilepsy syndrome. Last evaluated: 2022-07-26. Review status: criteria provided, single submitter. Criteria: ACMG Guidelines, 2015. Collection method: clinical testing. Allele origin: germline.

Fulgent Genetics
Classification: Uncertain significance for Cortical dysplasia-focal epilepsy syndrome; Autism, susceptibility to, 15. Last evaluated: 2017-05-23. Review status: criteria provided, single submitter. Criteria: ACMG Guidelines, 2015. Collection method: clinical testing. Allele origin: unknown.

Genetic Services Laboratory, University of Chicago
Classification: Uncertain significance. Last evaluated: 2013-12-24. Review status: criteria provided, single submitter. Criteria: ACMG Guidelines, 2007. Collection method: clinical testing. Allele origin: germline. Inheritance: Autosomal recessive inheritance.

NM_014141.6(CNTNAP2):c.485T>G (p.Val162Gly)

Gene: CNTNAP2 (contactin associated protein 2; plus strand). Cytogenetic location: 7q35.
Variant type: single nucleotide variant.
Coding change: c.485T>G on transcript NM_014141.6 (MANE Select); coding-DNA position 485, T replaced by G.
Protein change: p.Val162Gly; replaces valine 162 with glycine.
Molecular consequence: missense variant.
Genome position (GRCh38, 1-based): chr7:147,043,989, T>G. VCF-style: chr7-147043989-T-G. GRCh37 (hg19) VCF-style: chr7-146741081-T-G.
Other names: p.V162G:GTG>GGG; p.Val162Gly; short protein forms V162G.
Identifiers: ClinVar variation 128808 (VCV000128808.23), dbSNP rs587780320, ClinGen allele CA231045.